The following is an entry in ClinVar:

NM_004006.3(DMD):c.1A>T (p.Met1Leu)

Gene: DMD (dystrophin; minus strand). Cytogenetic location: Xp21.1.
Variant type: single nucleotide variant.
Coding change: c.1A>T on transcript NM_004006.3 (MANE Select); coding-DNA position 1, A replaced by T.
Protein change: p.Met1Leu; changes the start codon (methionine 1).
Molecular consequence: missense variant, initiator codon variant. On other transcripts: intron variant (1).
Genome position (GRCh38, 1-based): chrX:33,211,312, T>A on the plus strand (A>T on the coding strand, the complement: DMD is on the minus strand). VCF-style: chrX-33211312-T-A. GRCh37 (hg19) VCF-style: chrX-33229429-T-A.
Other names: c.7+127947A>T (NM_000109.4); short protein forms M1L.
Identifiers: ClinVar variation 4774215 (VCV004774215.1), dbSNP rs2148864234.
Genomic context (GRCh38, chrX:33,211,312, plus strand): 5'-AAAATATATTTTTAGTTACTTTGTACTTACAACAGTCCTCTACTTCTTCCCACCAAAGCA[T>A]TTTGAAAAGTGTATATCAAGGCAGCGATAAAAAAAACCTGGTAAAAGTTCTTCAAACTTT-3'
Protein context (NP_003997.2, residues 1-11): [Met1Leu]LWWEEVEDCY

ClinVar aggregate classification (germline): Pathogenic (1 of 4 stars; one submission).

Conditions:
Duchenne muscular dystrophy (DMD). Also called: MUSCULAR DYSTROPHY, PSEUDOHYPERTROPHIC PROGRESSIVE, DUCHENNE TYPE; Duchenne Muscular Dystrophy (DMD). Identifiers: Orphanet 98896, MedGen C0013264, MONDO:0010679, OMIM 310200.

Submission:

Labcorp Genetics (formerly Invitae), Labcorp
Classification: Pathogenic for Duchenne muscular dystrophy. Last evaluated: 2025-03-18. Review status: criteria provided, single submitter. Criteria: Invitae Variant Classification Sherloc (09022015). Collection method: clinical testing. Allele origin: germline.
Comment: This sequence change affects the initiator methionine of the DMD mRNA. The next in-frame methionine is located at codon 124. This variant is not present in population databases (gnomAD no frequency). Disruption of the initiator codon has been observed in individual(s) with Duchenne muscular dystrophy (PMID: 29973226). This variant disrupts a region of the DMD protein in which other variant(s) (Deletion Exon 3) have been determined to be pathogenic (PMID: 2063877, 9028449, 11524473). This suggests that this is a clinically significant region of the protein, and that variants that disrupt it are likely to be disease-causing. For these reasons, this variant has been classified as Pathogenic.

Literature cited by the submitters: PubMed 29973226; PubMed 2063877; PubMed 9028449; PubMed 11524473.